The following is an entry in ClinVar:

NM_005996.4(TBX3):c.264G>C (p.Arg88Ser)

Genes: TBX3-AS1 (TBX3 antisense RNA 1; plus strand), TBX3 (T-box transcription factor 3; minus strand). Cytogenetic location: 12q24.21.
Variant type: single nucleotide variant.
Coding change: c.264G>C on transcript NM_005996.4 (MANE Select); coding-DNA position 264, G replaced by C.
Protein change: p.Arg88Ser; replaces arginine 88 with serine.
Molecular consequence: missense variant.
Genome position (GRCh38, 1-based): chr12:114,682,937, C>G on the plus strand (G>C on the coding strand, the complement: TBX3 is on the minus strand). VCF-style: chr12-114682937-C-G. GRCh37 (hg19) VCF-style: chr12-115120742-C-G.
Other names: c.264G>C, p.Arg88Ser (NM_016569.4); short protein forms R88S.
Identifiers: ClinVar variation 1394632 (VCV001394632.6), dbSNP rs1460980304, ClinGen allele CA386873044.
Genomic context (GRCh38, chr12:114,682,937, plus strand): 5'-CTCCAGGTGCACCTTGGGGTCGTCCTCCACCTCTTCTTCGGGCTCCATGGTCTTCAAAGG[C>G]CTCAGATGCGCCTGGGGCCCCAGGGAGGAGAACGGGATGCCGGTCTCGGCCGCCCCCACC-3'
Protein context (NP_005987.3, residues 78-98): FSSLGPQAHL[Arg88Ser]PLKTMEPEEE

ClinVar aggregate classification (germline): Uncertain significance (1 of 4 stars; one submission).

Conditions:
Ulnar-mammary syndrome (UMS). Also called: Ulnar-mammary syndrome of Pallister; PALLISTER ULNAR-MAMMARY SYNDROME; SCHINZEL SYNDROME. Identifiers: Orphanet 3138, MedGen C1866994, MONDO:0008411, OMIM 181450.

Submission:

Labcorp Genetics (formerly Invitae), Labcorp
Classification: Uncertain significance for Ulnar-mammary syndrome. Last evaluated: 2025-08-04. Review status: criteria provided, single submitter. Criteria: Invitae Variant Classification Sherloc (09022015). Collection method: clinical testing. Allele origin: germline.
Comment: This sequence change replaces arginine, which is basic and polar, with serine, which is neutral and polar, at codon 88 of the TBX3 protein (p.Arg88Ser). This variant is not present in population databases (gnomAD no frequency). This variant has not been reported in the literature in individuals affected with TBX3-related conditions. ClinVar contains an entry for this variant (Variation ID: 1394632). An algorithm developed to predict the effect of missense changes on protein structure and function (PolyPhen-2) suggests that this variant is likely to be disruptive. In summary, the available evidence is currently insufficient to determine the role of this variant in disease. Therefore, it has been classified as a Variant of Uncertain Significance.